The following is an entry in ClinVar:

NM_001089.3(ABCA3):c.1063A>C (p.Ile355Leu)

Gene: ABCA3 (ATP binding cassette subfamily A member 3; minus strand). Cytogenetic location: 16p13.3.
Variant type: single nucleotide variant.
Coding change: c.1063A>C on transcript NM_001089.3 (MANE Select); coding-DNA position 1063, A replaced by C.
Protein change: p.Ile355Leu; replaces isoleucine 355 with leucine.
Molecular consequence: missense variant.
Genome position (GRCh38, 1-based): chr16:2,317,331, T>G on the plus strand (A>C on the coding strand, the complement: ABCA3 is on the minus strand). VCF-style: chr16-2317331-T-G. GRCh37 (hg19) VCF-style: chr16-2367332-T-G.
Other names: c.1063A>C (NM_001089.2); short protein forms I355L.
Identifiers: ClinVar variation 1719961 (VCV001719961.3), dbSNP rs1184960162, ClinGen allele CA394343077.
Genomic context (GRCh38, chr16:2,317,331, plus strand): 5'-ACTGGGGCTCACCTTTGCTGAAGAAGGTGCTGACCATGAAGCTGAAGGAGATGGTAGAGA[T>G]GGCGAAGCACAGCAGGAAGGCGAGCACCAGGGAGGGGTCGCTGCGGGACAGCACGGCTAC-3'
Protein context (NP_001080.2, residues 345-365): LVLAFLLCFA[Ile355Leu]STISFSFMVS

ClinVar aggregate classification (germline): Uncertain significance. Review status: criteria provided, multiple submitters, no conflicts (2 of 4 stars). 2 submissions from 2 submitters: Uncertain significance (2). Last evaluated 2023-10-30.

Conditions:
Hereditary pulmonary alveolar proteinosis. Also called: Pulmonary surfactant metabolism dysfunction. Identifiers: Orphanet 264675, MedGen C3711368, MONDO:0012580.

gnomAD v4.1: 1 of 1,614,058 alleles (0.000062%); no homozygotes.

Submissions (2):

Ambry Genetics
Classification: Uncertain significance for Hereditary pulmonary alveolar proteinosis. Last evaluated: 2023-10-30. Review status: criteria provided, single submitter. Criteria: Ambry Variant Classification Scheme 2023. Collection method: clinical testing. Allele origin: germline.

Labcorp Genetics (formerly Invitae), Labcorp
Classification: Uncertain significance. Last evaluated: 2022-09-21. Review status: criteria provided, single submitter. Criteria: Invitae Variant Classification Sherloc (09022015). Collection method: clinical testing. Allele origin: germline.
Comment: This sequence change replaces isoleucine, which is neutral and non-polar, with leucine, which is neutral and non-polar, at codon 355 of the ABCA3 protein (p.Ile355Leu). This variant is not present in population databases (gnomAD no frequency). This variant has not been reported in the literature in individuals affected with ABCA3-related conditions. Advanced modeling of protein sequence and biophysical properties (such as structural, functional, and spatial information, amino acid conservation, physicochemical variation, residue mobility, and thermodynamic stability) performed at Invitae indicates that this missense variant is not expected to disrupt ABCA3 protein function. In summary, the available evidence is currently insufficient to determine the role of this variant in disease. Therefore, it has been classified as a Variant of Uncertain Significance.